The following is an entry in ClinVar:

NM_000051.4(ATM):c.6121A>G (p.Met2041Val)

Genes: ATM (ATM serine/threonine kinase; plus strand), C11orf65 (chromosome 11 open reading frame 65; minus strand). Cytogenetic location: 11q22.3.
Variant type: single nucleotide variant.
Coding change: c.6121A>G on transcript NM_000051.4 (MANE Select); coding-DNA position 6121, A replaced by G.
Protein change: p.Met2041Val; replaces methionine 2041 with valine.
Molecular consequence: missense variant. On other transcripts: intron variant (2).
Genome position (GRCh38, 1-based): chr11:108,316,036, A>G. VCF-style: chr11-108316036-A-G. GRCh37 (hg19) VCF-style: chr11-108186763-A-G.
Other names: c.6121A>G, p.Met2041Val (NM_001351834.2); c.641-6965T>C (NM_001330368.2); c.*39-6965T>C (NM_001351110.2); short protein forms M2041V.
Identifiers: ClinVar variation 482583 (VCV000482583.20), dbSNP rs759753186, ClinGen allele CA6265867.
Genomic context (GRCh38, chr11:108,316,036, plus strand): 5'-AAACCCAAAGCTATTTTCACAATCTTTTCTTATAGACTACGAACATATGAACACGAAGCA[A>G]TGTGGGGCAAAGCCCTAGTAACATATGACCTCGAAACAGCAATCCCCTCATCAACACGCC-3'
Protein context (NP_000042.3, residues 2031-2051): TRLRTYEHEA[Met2041Val]WGKALVTYDL

ClinVar aggregate classification (germline): Uncertain significance. Review status: criteria provided, multiple submitters, no conflicts (2 of 4 stars). 6 submissions from 6 submitters: Uncertain significance (5). 1 of the submissions does not count toward it. Last evaluated 2025-11-30.

Conditions:
Hereditary cancer-predisposing syndrome. Also called: Neoplastic Syndromes, Hereditary; Hereditary Cancer Syndrome; Tumor predisposition; Hereditary neoplastic syndrome. Identifiers: Orphanet 140162, MedGen C0027672, MeSH D009386, MONDO:0015356.
Ataxia-telangiectasia syndrome (AT). Also called: LOUIS-BAR SYNDROME; Cerebello-oculocutaneous telangiectasia; Immunodeficiency with ataxia telangiectasia; Ataxia-telangiectasia, complementation group D; AT, COMPLEMENTATION GROUP C; Ataxia-telangiectasia, complementation group E. Identifiers: Orphanet 100, MedGen C0004135, MONDO:0008840, OMIM 208900.

Allele frequency attached by ClinVar (database versions not stated): TOPMed below 0.00001; ExAC 0.00001; gnomAD exomes 0.00001 and below 0.00001.
gnomAD v4.1: 2 of 1,614,188 alleles (0.00012%); highest among the groups gnomAD compares: East Asian, 0.0045%; no homozygotes.

Submissions (6):

Labcorp Genetics (formerly Invitae), Labcorp
Classification: Uncertain significance for Ataxia-telangiectasia syndrome. Last evaluated: 2025-11-30. Review status: criteria provided, single submitter. Criteria: Invitae Variant Classification Sherloc (09022015). Collection method: clinical testing. Allele origin: germline.
Comment: This sequence change replaces methionine, which is neutral and non-polar, with valine, which is neutral and non-polar, at codon 2041 of the ATM protein (p.Met2041Val). This variant is present in population databases (rs759753186, gnomAD 0.01%). This variant has not been reported in the literature in individuals affected with ATM-related conditions. ClinVar contains an entry for this variant (Variation ID: 482583). Invitae Evidence Modeling of protein sequence and biophysical properties (such as structural, functional, and spatial information, amino acid conservation, physicochemical variation, residue mobility, and thermodynamic stability) indicates that this missense variant is not expected to disrupt ATM protein function with a negative predictive value of 95%. In summary, the available evidence is currently insufficient to determine the role of this variant in disease. Therefore, it has been classified as a Variant of Uncertain Significance.

Ambry Genetics
Classification: Uncertain significance for Hereditary cancer-predisposing syndrome. Last evaluated: 2025-08-02. Review status: criteria provided, single submitter. Criteria: Ambry Variant Classification Scheme 2023. Collection method: clinical testing. Allele origin: germline.
Comment: The p.M2041V variant (also known as c.6121A>G), located in coding exon 41 of the ATM gene, results from an A to G substitution at nucleotide position 6121. The methionine at codon 2041 is replaced by valine, an amino acid with highly similar properties. This alteration was not observed in unselected male breast cancer patients and was observed with an allele frequency of 0.0001 in 12,490 male controls of Japanese ancestry (Momozawa Y et al. Nat Commun, 2018 Oct;9:4083). This alteration has also been reported with a carrier frequency of 0.00000 in 7636 unselected prostate cancer patients and 0.00008 in 12366 male controls of Japanese ancestry (Momozawa Y et al. J Natl Cancer Inst, 2020 Apr;112:369-376). This amino acid position is not well conserved in available vertebrate species. In addition, this alteration is predicted to be tolerated by in silico analysis. Since supporting evidence is limited at this time, the clinical significance of this alteration remains unclear.

Women's Health and Genetics/Laboratory Corporation of America, LabCorp
Classification: Uncertain significance. Last evaluated: 2024-01-02. Review status: criteria provided, single submitter. Criteria: LabCorp Variant Classification Summary - May 2015. Collection method: clinical testing. Allele origin: germline.
Comment: Variant summary: ATM c.6121A>G (p.Met2041Val) results in a conservative amino acid change located in the PIK-related kinase (IPR014009) of the encoded protein sequence. Five of five in-silico tools predict a benign effect of the variant on protein function. The variant allele was found at a frequency of 8e-06 in 251398 control chromosomes. The available data on variant occurrences in the general population are insufficient to allow any conclusion about variant significance. To our knowledge, no occurrence of c.6121A>G in individuals affected with Breast Cancer and no experimental evidence demonstrating its impact on protein function have been reported. The following publication have been ascertained in the context of this evaluation (PMID: 36243179). Five submitters have cited clinical-significance assessments for this variant to ClinVar after 2014. All submitters classified the variant as uncertain significance. Based on the evidence outlined above, the variant was classified as uncertain significance.

GeneDx
Classification: Uncertain significance. Last evaluated: 2020-01-22. Review status: criteria provided, single submitter. Criteria: GeneDx Variant Classification Process June 2021. Collection method: clinical testing. Allele origin: germline. Affected: yes.
Comment: In silico analysis, which includes protein predictors and evolutionary conservation, supports that this variant does not alter protein structure/function; Has not been previously published as pathogenic or benign to our knowledge; This variant is associated with the following publications: (PMID: 30287823)

Color Diagnostics, LLC DBA Color Health
Classification: Uncertain significance for Hereditary cancer-predisposing syndrome. Last evaluated: 2019-04-11. Review status: criteria provided, single submitter. Criteria: ACMG Guidelines, 2015. Collection method: clinical testing. Allele origin: germline.

Natera, Inc.
Classification: Uncertain significance for Ataxia-telangiectasia. Last evaluated: 2020-09-16. Review status: no assertion criteria provided. Collection method: clinical testing. Allele origin: germline. Not counted in ClinVar's aggregate classification.

Literature cited by the submitters: PubMed 30287823 (cited by Ambry Genetics); PubMed 31214711 (cited by Ambry Genetics); PubMed 36243179 (cited by Women's Health and Genetics/Laboratory Corporation of America, LabCorp).